The following is an entry in ClinVar:

NM_000632.4(ITGAM):c.244G>C (p.Val82Leu)

Genes: ITGAM (integrin subunit alpha M; plus strand), LOC126862331 (P300/CBP strongly-dependent group 1 enhancer GRCh37_chr16:31276375-31277574; plus strand). Cytogenetic location: 16p11.2.
Variant type: single nucleotide variant.
Coding change: c.244G>C on transcript NM_000632.4 (MANE Select); coding-DNA position 244, G replaced by C.
Protein change: p.Val82Leu; replaces valine 82 with leucine.
Molecular consequence: missense variant.
Genome position (GRCh38, 1-based): chr16:31,265,816, G>C. VCF-style: chr16-31265816-G-C. GRCh37 (hg19) VCF-style: chr16-31277137-G-C.
Other names: c.244G>C, p.Val82Leu (NM_001145808.2); short protein forms V82L.
Identifiers: ClinVar variation 1417765 (VCV001417765.6), dbSNP rs373322978, ClinGen allele CA280602806.

ClinVar aggregate classification (germline): Uncertain significance (1 of 4 stars; one submission).

Submission:

Labcorp Genetics (formerly Invitae), Labcorp
Classification: Uncertain significance. Last evaluated: 2025-10-23. Review status: criteria provided, single submitter. Criteria: Invitae Variant Classification Sherloc (09022015). Collection method: clinical testing. Allele origin: germline.
Comment: This sequence change replaces valine, which is neutral and non-polar, with leucine, which is neutral and non-polar, at codon 82 of the ITGAM protein (p.Val82Leu). This variant is present in population databases (rs373322978, gnomAD 0.003%). This variant has not been reported in the literature in individuals affected with ITGAM-related conditions. ClinVar contains an entry for this variant (Variation ID: 1417765). An algorithm developed to predict the effect of missense changes on protein structure and function outputs the following: PolyPhen-2: "Benign". The leucine amino acid residue is found in multiple mammalian species, which suggests that this missense change does not adversely affect protein function. In summary, the available evidence is currently insufficient to determine the role of this variant in disease. Therefore, it has been classified as a Variant of Uncertain Significance.